The following is an entry in ClinVar:

ClinVar aggregate classification (germline): Uncertain significance (1 of 4 stars; one submission).

Submission:

Labcorp Genetics (formerly Invitae), Labcorp
Classification: Uncertain significance. Last evaluated: 2022-06-28. Review status: criteria provided, single submitter. Criteria: Invitae Variant Classification Sherloc (09022015). Collection method: clinical testing. Allele origin: germline.
Comment: In summary, the available evidence is currently insufficient to determine the role of this variant in disease. Therefore, it has been classified as a Variant of Uncertain Significance. Algorithms developed to predict the effect of sequence changes on RNA splicing suggest that this variant may disrupt the consensus splice site. This variant has not been reported in the literature in individuals affected with SPEG-related conditions. This variant is not present in population databases (gnomAD no frequency). This sequence change falls in intron 25 of the SPEG gene. It does not directly change the encoded amino acid sequence of the SPEG protein.

NM_005876.5(SPEG):c.5343-4A>T

Gene: SPEG (striated muscle enriched protein kinase; plus strand). Cytogenetic location: 2q35.
Variant type: single nucleotide variant.
Coding change: c.5343-4A>T on transcript NM_005876.5 (MANE Select); 4 bases into the intron before coding-DNA position 5343, A replaced by T.
Molecular consequence: intron variant.
Genome position (GRCh38, 1-based): chr2:219,480,667, A>T. VCF-style: chr2-219480667-A-T. GRCh37 (hg19) VCF-style: chr2-220345389-A-T.
Identifiers: ClinVar variation 2011919 (VCV002011919.4), dbSNP rs2545892157, ClinGen allele CA2580065773.